The following is an entry in ClinVar:

ClinVar aggregate classification (germline): Conflicting classifications of pathogenicity. Review status: criteria provided, conflicting classifications (1 of 4 stars). 4 submissions from 4 submitters: Uncertain significance (3); Likely benign (1). Last evaluated 2026-03-06.

Conditions:
Inborn genetic diseases. Identifiers: MedGen C0950123, MeSH D030342.

Allele frequency attached by ClinVar (database versions not stated): gnomAD 0.00001; gnomAD exomes 0.00002; ExAC 0.00006; 1000 Genomes Project 30x 0.00016; 1000 Genomes Project 0.00020.
gnomAD v4.1: 31 of 1,614,190 alleles (0.0019%); highest among the groups gnomAD compares: East Asian, 0.069%; no homozygotes.

Submissions (4):

GeneDx
Classification: Uncertain significance. Last evaluated: 2026-03-06. Review status: criteria provided, single submitter. Criteria: GeneDx Variant Classification Process June 2021. Collection method: clinical testing. Allele origin: germline.
Comment: In silico analysis suggests that this missense variant does not alter protein structure/function; Has not been previously published as pathogenic or benign to our knowledge

Labcorp Genetics (formerly Invitae), Labcorp
Classification: Uncertain significance. Last evaluated: 2024-12-09. Review status: criteria provided, single submitter. Criteria: Invitae Variant Classification Sherloc (09022015). Collection method: clinical testing. Allele origin: germline.
Comment: This sequence change replaces glutamic acid, which is acidic and polar, with lysine, which is basic and polar, at codon 50 of the LARS2 protein (p.Glu50Lys). The frequency data for this variant in the population databases is considered unreliable, as metrics indicate poor data quality at this position in the gnomAD database. This variant has not been reported in the literature in individuals affected with LARS2-related conditions. ClinVar contains an entry for this variant (Variation ID: 2166349). An algorithm developed to predict the effect of missense changes on protein structure and function (PolyPhen-2) suggests that this variant is likely to be tolerated. In summary, the available evidence is currently insufficient to determine the role of this variant in disease. Therefore, it has been classified as a Variant of Uncertain Significance.

Ambry Genetics
Classification: Uncertain significance for Inborn genetic diseases. Last evaluated: 2023-03-13. Review status: criteria provided, single submitter. Criteria: Ambry Variant Classification Scheme 2023. Collection method: clinical testing. Allele origin: germline.

Blueprint Genetics
Classification: Likely benign. Last evaluated: 2021-01-22. Review status: criteria provided, single submitter. Criteria: ACMG Guidelines, 2015. Collection method: clinical testing. Allele origin: germline.

NM_015340.4(LARS2):c.148G>A (p.Glu50Lys)

Gene: LARS2 (leucyl-tRNA synthetase 2, mitochondrial; plus strand). Cytogenetic location: 3p21.31.
Variant type: single nucleotide variant.
Coding change: c.148G>A on transcript NM_015340.4 (MANE Select); coding-DNA position 148, G replaced by A.
Protein change: p.Glu50Lys; replaces glutamic acid 50 with lysine.
Molecular consequence: missense variant.
Genome position (GRCh38, 1-based): chr3:45,394,601, G>A. VCF-style: chr3-45394601-G-A. GRCh37 (hg19) VCF-style: chr3-45436093-G-A.
Other names: c.148G>A, p.Glu50Lys (NM_001368263.1); c.148G>A (NM_015340.3); short protein forms E50K.
Identifiers: ClinVar variation 2166349 (VCV002166349.8), dbSNP rs200135115, ClinGen allele CA2349202.